The following is an entry in ClinVar:

ClinVar aggregate classification (germline): Benign/Likely benign. Review status: criteria provided, multiple submitters, no conflicts (2 of 4 stars). 5 submissions from 5 submitters: Benign (2); Likely benign (3). Last evaluated 2026-02-03.

Conditions:
Fanconi anemia (FA). Also called: Fanconi's anemia. Identifiers: Orphanet 84, MedGen C0015625, MeSH D005199, MONDO:0019391.
Fanconi anemia complementation group I (FANCI). Also called: FANCI-Related Fanconi Anemia. Identifiers: Orphanet 84, MedGen C1836861, MONDO:0012186, OMIM 609053.

Allele frequency attached by ClinVar (database versions not stated): gnomAD exomes 0.00051 and 0.00168; gnomAD 0.00053 and 0.00072; TOPMed 0.00099; ExAC 0.00162; 1000 Genomes Project 0.00359; 1000 Genomes Project 30x 0.00359.
gnomAD v4.1: 848 of 1,613,098 alleles (0.053%); highest among the groups gnomAD compares: East Asian, 1.7%; 9 homozygotes.

Submissions (5):

Labcorp Genetics (formerly Invitae), Labcorp
Classification: Benign for Fanconi anemia. Last evaluated: 2026-02-03. Review status: criteria provided, single submitter. Criteria: Invitae Variant Classification Sherloc (09022015). Collection method: clinical testing. Allele origin: germline.

Blueprint Genetics
Classification: Likely benign. Last evaluated: 2024-08-14. Review status: criteria provided, single submitter. Criteria: ACMG Guidelines, 2015. Collection method: clinical testing. Allele origin: germline.

Fulgent Genetics
Classification: Likely benign for Fanconi anemia complementation group I. Last evaluated: 2021-08-23. Review status: criteria provided, single submitter. Criteria: ACMG Guidelines, 2015. Collection method: clinical testing. Allele origin: unknown.

Illumina Laboratory Services, Illumina
Classification: Benign for Fanconi anemia complementation group I. Last evaluated: 2017-04-27. Review status: criteria provided, single submitter. Criteria: ICSL Variant Classification Criteria 13 December 2019. Collection method: clinical testing. Allele origin: germline.
Comment: This variant was observed as part of a predisposition screen in an ostensibly healthy population. A literature search was performed for the gene, cDNA change, and amino acid change (where applicable). No publications were found based on this search. Allele frequency data from public databases was too high to be consistent with this variant causing disease. Therefore, this variant is classified as benign.

Center for Pediatric Genomic Medicine, Children's Mercy Hospital and Clinics
Classification: Likely benign. Last evaluated: 2017-01-05. Review status: criteria provided, single submitter. Criteria: ACMG Guidelines, 2015. Collection method: clinical testing. Allele origin: germline.
ClinVar note: Converted during submission from Likely Benign to Likely benign.

NM_001113378.2(FANCI):c.1893A>C (p.Leu631Phe)

Gene: FANCI (FA complementation group I; plus strand). Cytogenetic location: 15q26.1.
Variant type: single nucleotide variant.
Coding change: c.1893A>C on transcript NM_001113378.2 (MANE Select); coding-DNA position 1893, A replaced by C.
Protein change: p.Leu631Phe; replaces leucine 631 with phenylalanine.
Molecular consequence: missense variant.
Genome position (GRCh38, 1-based): chr15:89,291,615, A>C. VCF-style: chr15-89291615-A-C. GRCh37 (hg19) VCF-style: chr15-89834846-A-C.
Other names: c.1614A>C, p.Leu538Phe (NM_001376910.1); c.1893A>C, p.Leu631Phe (NM_001376911.1, NM_018193.3); short protein forms L631F, L538F.
Identifiers: ClinVar variation 376943 (VCV000376943.19), dbSNP rs118138806, ClinGen allele CA7723212.
Genomic context (GRCh38, chr15:89,291,615, plus strand): 5'-TTAAAAAAGTAAAAAGCATTTATGAGCCAAGATGTCTTTTTTTTCTTACTATACACAGTT[A>C]AAACAGTTCTATGAGCCAAAACCTGATCTGCTGCCTCCTCTGAAATTAGAAGCTTGTATT-3'
Protein context (NP_001106849.1, residues 621-641): NSVMQTLLSQ[Leu631Phe]KQFYEPKPDL